The following is an entry in ClinVar:

ClinVar aggregate classification (germline): Uncertain significance (1 of 4 stars; one submission).

Conditions:
Hereditary cancer-predisposing syndrome. Also called: Hereditary Cancer Syndrome; Hereditary neoplastic syndrome; Neoplastic Syndromes, Hereditary; Tumor predisposition. Identifiers: Orphanet 140162, MedGen C0027672, MeSH D009386, MONDO:0015356.

gnomAD v4.1: 1 of 1,613,958 alleles (0.000062%); highest among the groups gnomAD compares: Non-Finnish European, 0.000085%; no homozygotes.

Submission:

Ambry Genetics
Classification: Uncertain significance for Hereditary cancer-predisposing syndrome. Last evaluated: 2025-08-20. Review status: criteria provided, single submitter. Criteria: Ambry Variant Classification Scheme 2023. Collection method: clinical testing. Allele origin: germline.
Comment: The c.787+5G>C intronic variant results from a G to C substitution 5 nucleotides after coding exon 2 in the ALK gene. This nucleotide position is highly conserved in available vertebrate species. In silico splice site analysis predicts that this alteration may weaken the native splice donor site. Based on the available evidence, the clinical significance of this variant remains unclear.

NM_004304.5(ALK):c.787+5G>C

Gene: ALK (ALK receptor tyrosine kinase; minus strand). Cytogenetic location: 2p23.2.
Variant type: single nucleotide variant.
Coding change: c.787+5G>C on transcript NM_004304.5 (MANE Select); 5 bases into the intron after coding-DNA position 787, G replaced by C.
Molecular consequence: intron variant.
Genome position (GRCh38, 1-based): chr2:29,717,573, C>G on the plus strand (G>C on the coding strand, the complement: ALK is on the minus strand). VCF-style: chr2-29717573-C-G. GRCh37 (hg19) VCF-style: chr2-29940439-C-G.
Identifiers: ClinVar variation 4271783 (VCV004271783.1).
Genomic context (GRCh38, chr2:29,717,573, plus strand): 5'-CTCACAGAGTCCTTATTATGAGATAGTGACAGTGTATCTCAAGTAAATATTAAACATATA[C>G]TTACCATATCGGCTGCGATGAGACAGGAAAGGGAAGGAGTCTTTCATTATCCAGGTGAGA-3'